The following is an entry in ClinVar:

ClinVar aggregate classification (germline): Pathogenic (1 of 4 stars; one submission).

Conditions:
Myofibrillar myopathy 5. Also called: Filaminopathy (type); FILAMINOPATHY, AUTOSOMAL DOMINANT. Identifiers: Orphanet 171445, MedGen C1836050, MONDO:0012289, OMIM 609524.
Hypertrophic cardiomyopathy 26. Also called: Cardiomyopathy, familial hypertrophic, 26. Identifiers: Orphanet 75249, MedGen C4310749, MONDO:0014883, OMIM 617047.
Distal myopathy with posterior leg and anterior hand involvement. Also called: WILLIAMS DISTAL MYOPATHY. Identifiers: Orphanet 63273, MedGen C3279722, MONDO:0013550, OMIM 614065.

Submission:

Labcorp Genetics (formerly Invitae), Labcorp
Classification: Pathogenic for Distal myopathy with posterior leg and anterior hand involvement; Myofibrillar myopathy 5; Hypertrophic cardiomyopathy 26. Last evaluated: 2022-06-29. Review status: criteria provided, single submitter. Criteria: Invitae Variant Classification Sherloc (09022015). Collection method: clinical testing. Allele origin: germline.
Comment: This sequence change creates a premature translational stop signal (p.Pro1060Leufs*18) in the FLNC gene. It is expected to result in an absent or disrupted protein product. Loss-of-function variants in FLNC are known to be pathogenic (PMID: 27908349). This variant is not present in population databases (gnomAD no frequency). This variant has not been reported in the literature in individuals affected with FLNC-related conditions. For these reasons, this variant has been classified as Pathogenic.

Literature cited by the submitters: PubMed 27908349.

NM_001458.5(FLNC):c.3179del (p.Pro1060fs)

Gene: FLNC (filamin C; plus strand). Cytogenetic location: 7q32.1.
Variant type: Deletion.
Coding change: c.3179del on transcript NM_001458.5 (MANE Select); coding-DNA position 3179, one base deleted (C; older notation c.3179delC).
Protein change: p.Pro1060fs; shifts the reading frame from proline 1060.
Molecular consequence: frameshift variant.
Genome position (GRCh38, 1-based): chr7:128,844,253, C deleted; the last of 5 consecutive C bases (chr7:128,844,249-128,844,253); deleting any one gives the same sequence. VCF-style (leftmost placement, unchanged base first): chr7-128844248-GC-G. GRCh37 (hg19) VCF-style: chr7-128484302-GC-G.
Other names: c.3179del, p.Pro1060fs (NM_001127487.2); short protein forms P1060fs.
Identifiers: ClinVar variation 2012084 (VCV002012084.4), dbSNP rs1562996441, ClinGen allele CA918127267.